The following is an entry in ClinVar:

NM_000213.5(ITGB4):c.4796G>T (p.Arg1599Leu)

Genes: GALK1 (galactokinase 1; minus strand), ITGB4 (integrin subunit beta 4; plus strand). Cytogenetic location: 17q25.1.
Variant type: single nucleotide variant.
Coding change: c.4796G>T on transcript NM_000213.5 (MANE Select); coding-DNA position 4796, G replaced by T.
Protein change: p.Arg1599Leu; replaces arginine 1599 with leucine.
Molecular consequence: missense variant. On other transcripts: intron variant (1).
Genome position (GRCh38, 1-based): chr17:75,756,516, G>T. VCF-style: chr17-75756516-G-T. GRCh37 (hg19) VCF-style: chr17-73752597-G-T.
Other names: c.4745G>T, p.Arg1582Leu (NM_001005619.2); c.4586G>T, p.Arg1529Leu (NM_001005731.3, NM_001321123.2); c.4436G>T, p.Arg1479Leu (NM_001438834.1); c.*22+1518C>A (NM_001381985.1); short protein forms R1599L, R1529L, R1582L, R1479L.
Identifiers: ClinVar variation 2068384 (VCV002068384.2), dbSNP rs770427712, ClinGen allele CA8770321.
Genomic context (GRCh38, chr17:75,756,516, plus strand): 5'-ACCCTGCCCAGACCTCGGTGGTGGTGGAAGACCTCCTGCCCAACCACTCCTACGTGTTCC[G>T]CGTGCGGGCCCAGAGCCAGGAAGGCTGGGGCCGAGAGCGTGAGGGTGTCATCACCATTGA-3'
Protein context (NP_000204.3, residues 1589-1609): DLLPNHSYVF[Arg1599Leu]VRAQSQEGWG

ClinVar aggregate classification (germline): Uncertain significance. Review status: criteria provided, multiple submitters, no conflicts (2 of 4 stars). 2 submissions from 2 submitters: Uncertain significance (2). Last evaluated 2026-01-19.

Conditions:
ITGB4-related disorder. Also called: ITGB4-related condition.

gnomAD v4.1: 12 of 1,613,182 alleles (0.00074%); highest among the groups gnomAD compares: Admixed American, 0.01%; no homozygotes.

Submissions (2):

PreventionGenetics, part of Exact Sciences
Classification: Uncertain significance for ITGB4-related condition. Last evaluated: 2026-01-19. Review status: criteria provided, single submitter. Criteria: ACMG Guidelines, 2015. Collection method: clinical testing. Allele origin: germline.
Comment: The ITGB4 c.4796G>T variant is predicted to result in the amino acid substitution p.Arg1599Leu. To our knowledge, this variant has not been reported in the literature. This variant is reported in 0.012% of alleles in individuals of Latino descent in gnomAD. At this time, the clinical significance of this variant is uncertain due to the absence of conclusive functional and genetic evidence.

Labcorp Genetics (formerly Invitae), Labcorp
Classification: Uncertain significance. Last evaluated: 2022-03-20. Review status: criteria provided, single submitter. Criteria: Invitae Variant Classification Sherloc (09022015). Collection method: clinical testing. Allele origin: germline.
Comment: This sequence change replaces arginine, which is basic and polar, with leucine, which is neutral and non-polar, at codon 1529 of the ITGB4 protein (p.Arg1529Leu). This variant is present in population databases (rs770427712, gnomAD 0.01%). This variant has not been reported in the literature in individuals affected with ITGB4-related conditions. Algorithms developed to predict the effect of missense changes on protein structure and function are either unavailable or do not agree on the potential impact of this missense change (SIFT: "Not Available"; PolyPhen-2: "Possibly Damaging"; Align-GVGD: "Not Available"). In summary, the available evidence is currently insufficient to determine the role of this variant in disease. Therefore, it has been classified as a Variant of Uncertain Significance.